The following is an entry in ClinVar:

NM_001167.4(XIAP):c.311A>C (p.Gln104Pro)

Gene: XIAP (X-linked inhibitor of apoptosis; plus strand). Cytogenetic location: Xq25.
Variant type: single nucleotide variant.
Coding change: c.311A>C on transcript NM_001167.4 (MANE Select); coding-DNA position 311, A replaced by C.
Protein change: p.Gln104Pro; replaces glutamine 104 with proline.
Molecular consequence: missense variant.
Genome position (GRCh38, 1-based): chrX:123,885,973, A>C. VCF-style: chrX-123885973-A-C. GRCh37 (hg19) VCF-style: chrX-123019823-A-C.
Other names: NP_001158.2:p.(Gln104Pro); c.311A>C, p.Gln104Pro (NM_001204401.2, NM_001378590.1, NM_001378591.1 and 1 more transcripts); short protein forms Q104P.
Identifiers: ClinVar variation 3393339 (VCV003393339.3).

ClinVar aggregate classification (germline): Uncertain significance. Review status: criteria provided, multiple submitters, no conflicts (2 of 4 stars). 2 submissions from 2 submitters: Uncertain significance (2). Last evaluated 2025-04-20.

Conditions:
Inborn genetic diseases. Identifiers: MedGen C0950123, MeSH D030342.
X-linked lymphoproliferative disease due to XIAP deficiency. Also called: XIAP-Related Lymphoproliferative Disease, X-Linked; XIAP DEFICIENCY. Identifiers: Orphanet 2442, Orphanet 538934, MedGen C1845076, MONDO:0010385, OMIM 300635.

Submissions (2):

Ambry Genetics
Classification: Uncertain significance for Inborn genetic diseases. Last evaluated: 2025-04-20. Review status: criteria provided, single submitter. Criteria: Ambry Variant Classification Scheme 2023. Collection method: clinical testing. Allele origin: germline.

Paediatric Laboratory, Institute for Maternal and Child Health - IRCCS Burlo Garofolo
Classification: Uncertain significance for X-linked lymphoproliferative disease due to XIAP deficiency. Last evaluated: 2024-12-02. Review status: criteria provided, single submitter. Criteria: ACMG Guidelines, 2015. Collection method: clinical testing. Allele origin: germline. Affected: yes.
Comment: The NM_001167.4:c.311A>C variant is predicted to result in the substitution of the glutamine residue at position 104 with a proline. This variant is not present in the gnomAD v4.1.0 population database [PM2]. Multiple computational tools predict the variant to be non-deleterious [BP4].